The following is an entry in ClinVar:

ClinVar aggregate classification (germline): Likely pathogenic (1 of 4 stars; one submission).

Conditions:
Autosomal recessive limb-girdle muscular dystrophy type 2J (LGMDR10). Also called: MUSCULAR DYSTROPHY, LIMB-GIRDLE, AUTOSOMAL RECESSIVE 10; Limb-girdle muscular dystrophy, type 2J. Identifiers: Orphanet 140922, MedGen C1837342, MONDO:0012127, OMIM 608807.

Submission:

Genetics and Personalized Medicine Clinic, Tartu University Hospital
Classification: Likely pathogenic for Autosomal recessive limb-girdle muscular dystrophy type 2J. Review status: criteria provided, single submitter. Criteria: ACMG Guidelines, 2015. Collection method: clinical testing. Allele origin: germline. Inheritance: Autosomal recessive inheritance. Affected: yes. Observed: 1 compound heterozygote.
Comment: We found in compound heterozygous state in trans with FINMaj variant NM_001267550.2(TTN):c.107780_107790delinsTGAAAGAAAAA in two patients with Titin-related limb-girdle muscular dystrophy R10.

NM_001267550.2(TTN):c.64672+2dup

Genes: TTN (titin; minus strand), TTN-AS1 (TTN antisense RNA 1; plus strand). Cytogenetic location: 2q31.2.
Variant type: Duplication.
Coding change: c.64672+2dup on transcript NM_001267550.2 (MANE Select); the canonical splice donor site of the intron after coding-DNA position 64672, one base duplicated (T; older notation c.64672+2dupT).
Molecular consequence: splice donor variant.
Genome position (GRCh38, 1-based): chr2:178,585,070, A duplicated on the plus strand (T on the coding strand, the reverse complement: TTN is on the minus strand). VCF-style (leftmost placement, unchanged base first): chr2-178585069-T-TA. GRCh37 (hg19) VCF-style: chr2-179449796-T-TA.
Other names: c.37477+2dup (NM_003319.4); c.38053+2dup (NM_133437.4); c.37852+2dup (NM_133432.3); c.56968+2dup (NM_133378.4); c.59749+2dup (NM_001256850.1).
Identifiers: ClinVar variation 2683849 (VCV002683849.1), dbSNP rs2469170173, ClinGen allele CA2697551391.